The following is an entry in ClinVar:

NM_004006.3(DMD):c.141dup (p.Arg48fs)

Gene: DMD (dystrophin; minus strand). Cytogenetic location: Xp21.1.
Variant type: Duplication.
Coding change: c.141dup on transcript NM_004006.3 (MANE Select); coding-DNA position 141, one base duplicated (G; older notation c.141dupG).
Protein change: p.Arg48fs; shifts the reading frame from arginine 48.
Molecular consequence: frameshift variant. On other transcripts: 5 prime UTR variant (1).
Genome position (GRCh38, 1-based): chrX:32,849,773, C duplicated on the plus strand (G on the coding strand, the reverse complement: DMD is on the minus strand); the first of 3 consecutive C bases (chrX:32,849,773-32,849,775); duplicating any one gives the same sequence. VCF-style (leftmost placement, unchanged base first): chrX-32849772-T-TC. GRCh37 (hg19) VCF-style: chrX-32867889-T-TC.
Other names: c.141dupG (NM_004006.2); c.117dup, p.Arg40fs (NM_000109.4); c.129dup, p.Arg44fs (NM_004009.3); c.-229dup (NM_004010.3); c.141dup (NM_004006.2); short protein forms R40fs, R44fs, R48fs.
Identifiers: ClinVar variation 565437 (VCV000565437.10), dbSNP rs1569533965, ClinGen allele CA891844570.

ClinVar aggregate classification (germline): Pathogenic/Likely pathogenic. Review status: criteria provided, multiple submitters, no conflicts (2 of 4 stars). 2 submissions from 2 submitters: Pathogenic (1); Likely pathogenic (1). Last evaluated 2024-07-05.

Conditions:
Duchenne muscular dystrophy (DMD). Also called: Duchenne Muscular Dystrophy (DMD); MUSCULAR DYSTROPHY, PSEUDOHYPERTROPHIC PROGRESSIVE, DUCHENNE TYPE. Identifiers: Orphanet 98896, MedGen C0013264, MONDO:0010679, OMIM 310200.

Submissions (2):

Revvity Omics, Revvity
Classification: Likely pathogenic. Last evaluated: 2024-07-05. Review status: criteria provided, single submitter. Criteria: ACMG Guidelines, 2015. Collection method: clinical testing. Allele origin: germline.

Labcorp Genetics (formerly Invitae), Labcorp
Classification: Pathogenic for Duchenne muscular dystrophy. Last evaluated: 2018-06-20. Review status: criteria provided, single submitter. Criteria: Invitae Variant Classification Sherloc (09022015). Collection method: clinical testing. Allele origin: germline.
Comment: For these reasons, this variant has been classified as Pathogenic. Loss-of-function variants in DMD are known to be pathogenic (PMID: 16770791, 25007885). This variant has been reported in individuals in the Leiden Open-source Variation Database (PMID: 21520333). This variant is not present in population databases (ExAC no frequency). This sequence change creates a premature translational stop signal (p.Arg48Glufs*41) in the DMD gene. It is expected to result in an absent or disrupted protein product.

Literature cited by the submitters: PubMed 16770791 (cited by Labcorp Genetics (formerly Invitae), Labcorp); PubMed 25007885 (cited by Labcorp Genetics (formerly Invitae), Labcorp); PubMed 21520333 (cited by Labcorp Genetics (formerly Invitae), Labcorp).